The following is an entry in ClinVar:

ClinVar aggregate classification (germline): Conflicting classifications of pathogenicity. Review status: criteria provided, conflicting classifications (1 of 4 stars). 5 submissions from 5 submitters: Uncertain significance (4); Likely benign (1). Last evaluated 2025-11-10.

Conditions:
Hereditary cancer-predisposing syndrome. Also called: Neoplastic Syndromes, Hereditary; Tumor predisposition; Hereditary neoplastic syndrome; Hereditary Cancer Syndrome. Identifiers: Orphanet 140162, MedGen C0027672, MeSH D009386, MONDO:0015356.
Multiple endocrine neoplasia, type 1 (MEN1). Also called: MEN I; WERMER SYNDROME; Endocrine adenomatosis multiple; MEN 1; MEA I. Identifiers: Orphanet 652, MedGen C0025267, MeSH D018761, MONDO:0007540, OMIM 131100.

Allele frequency attached by ClinVar (database versions not stated): gnomAD exomes below 0.00001; TOPMed below 0.00001; ExAC 0.00001.
gnomAD v4.1: 12 of 1,606,964 alleles (0.00075%); highest among the groups gnomAD compares: Middle Eastern, 0.017%; no homozygotes.

Submissions (5):

Labcorp Genetics (formerly Invitae), Labcorp
Classification: Likely benign for Multiple endocrine neoplasia, type 1. Last evaluated: 2025-11-10. Review status: criteria provided, single submitter. Criteria: Invitae Variant Classification Sherloc (09022015). Collection method: clinical testing. Allele origin: germline.

Ambry Genetics
Classification: Uncertain significance for Hereditary cancer-predisposing syndrome. Last evaluated: 2024-08-27. Review status: criteria provided, single submitter. Criteria: Ambry Variant Classification Scheme 2023. Collection method: clinical testing. Allele origin: germline.

Baylor Genetics
Classification: Uncertain significance for Multiple Endocrine Neoplasia Type 1. Last evaluated: 2024-02-20. Review status: criteria provided, single submitter. Criteria: ACMG Guidelines, 2015. Collection method: clinical testing. Allele origin: unknown.

All of Us Research Program, National Institutes of Health
Classification: Uncertain significance for Multiple endocrine neoplasia, type 1. Last evaluated: 2023-11-20. Review status: criteria provided, single submitter. Criteria: ACMG Guidelines, 2015. Collection method: clinical testing. Allele origin: germline. Inheritance: Autosomal dominant inheritance. Observed: 1 variant allele, 1 heterozygote.
Comment: This missense variant replaces proline with arginine at codon 514 of the MEN1 protein. Computational prediction suggests that this variant may not impact protein structure and function (internally defined REVEL score threshold <= 0.5, PMID: 27666373). To our knowledge, functional studies have not been reported for this variant. This variant has been reported in an individual affected with a pancreatic neuroendocrine tumor (PMID: 32451928). This variant has been identified in 1/236694 chromosomes in the general population by the Genome Aggregation Database (gnomAD). The available evidence is insufficient to determine the role of this variant in disease conclusively. Therefore, this variant is classified as a Variant of Uncertain Significance.

This study involves interpretation of variants in research participants for the purpose of population health screening. Participant phenotype was not available at the time of variant classification. Additional details can be found in publication PMID: 35346344, PMCID: PMC8962531

Color Diagnostics, LLC DBA Color Health
Classification: Uncertain significance for Multiple endocrine neoplasia, type 1. Last evaluated: 2023-11-02. Review status: criteria provided, single submitter. Criteria: ACMG Guidelines, 2015. Collection method: clinical testing. Allele origin: germline.
Comment: This missense variant replaces proline with arginine at codon 514 of the MEN1 protein. Computational prediction suggests that this variant may not impact protein structure and function. To our knowledge, functional studies have not been reported for this variant. This variant has been reported in an individual affected with a pancreatic neuroendocrine tumor (PMID: 32451928). This variant has been identified in 1/236694 chromosomes in the general population by the Genome Aggregation Database (gnomAD). The available evidence is insufficient to determine the role of this variant in disease conclusively. Therefore, this variant is classified as a Variant of Uncertain Significance.

Literature cited by the submitters: PubMed 32451928 (cited by All of Us Research Program, National Institutes of Health and Color Diagnostics, LLC DBA Color Health).

NM_001370259.2(MEN1):c.1541C>G (p.Pro514Arg)

Gene: MEN1 (menin 1; minus strand). Cytogenetic location: 11q13.1.
Variant type: single nucleotide variant.
Coding change: c.1541C>G on transcript NM_001370259.2 (MANE Select); coding-DNA position 1541, C replaced by G.
Protein change: p.Pro514Arg; replaces proline 514 with arginine.
Molecular consequence: missense variant.
Genome position (GRCh38, 1-based): chr11:64,804,626, G>C on the plus strand (C>G on the coding strand, the complement: MEN1 is on the minus strand). VCF-style: chr11-64804626-G-C. GRCh37 (hg19) VCF-style: chr11-64572098-G-C.
Other names: c.1556C>G, p.Pro519Arg (NM_000244.4, NM_130800.3, NM_130801.3 and 3 more transcripts); c.1667C>G, p.Pro556Arg (NM_001370251.2); c.1541C>G, p.Pro514Arg (NM_001370260.2, NM_001370261.2, NM_130799.3); c.1436C>G, p.Pro479Arg (NM_001370262.2, NM_001370263.2); short protein forms P514R, P519R, P479R, P556R.
Identifiers: ClinVar variation 241809 (VCV000241809.20), dbSNP rs753022747, ClinGen allele CA060761.